The following is an entry in ClinVar:

NM_007294.4(BRCA1):c.2263G>A (p.Glu755Lys)

Gene: BRCA1 (BRCA1 DNA repair associated; minus strand). Cytogenetic location: 17q21.31.
Variant type: single nucleotide variant.
Coding change: c.2263G>A on transcript NM_007294.4 (MANE Select); coding-DNA position 2263, G replaced by A.
Protein change: p.Glu755Lys; replaces glutamic acid 755 with lysine.
Molecular consequence: missense variant. On other transcripts: intron variant (137).
Genome position (GRCh38, 1-based): chr17:43,093,268, C>T on the plus strand (G>A on the coding strand, the complement: BRCA1 is on the minus strand). VCF-style: chr17-43093268-C-T. GRCh37 (hg19) VCF-style: chr17-41245285-C-T.
Other names: c.2050G>A, p.Glu684Lys (NM_001407571.1, NM_001407915.1, NM_001407853.1 and 9 more transcripts); c.2263G>A, p.Glu755Lys (NM_001407581.1, NM_001407582.1, NM_001407583.1 and 30 more transcripts); c.2260G>A, p.Glu754Lys (NM_001407587.1, NM_001407590.1, NM_001407591.1 and 22 more transcripts); c.2137G>A, p.Glu713Lys (NM_001407649.1, NM_001407670.1, NM_001407671.1 and 11 more transcripts); c.2185G>A, p.Glu729Lys (NM_001407653.1, NM_001407654.1, NM_001407655.1 and 4 more transcripts); c.2182G>A, p.Glu728Lys (NM_001407659.1, NM_001407660.1, NM_001407661.1 and 1 more transcripts); c.2140G>A, p.Glu714Lys (NM_001407674.1, NM_001407675.1, NM_001407676.1 and 19 more transcripts); c.2122G>A, p.Glu708Lys (NM_001407692.1, NM_001407694.1, NM_001407695.1 and 29 more transcripts); and 41 more; short protein forms E755K, E708K, E459K, E643K, E685K, E713K, E728K, E627K.
Identifiers: ClinVar variation 230102 (VCV000230102.20), dbSNP rs41286296, ClinGen allele CA10580626.

ClinVar aggregate classification (germline): Conflicting classifications of pathogenicity. Review status: criteria provided, conflicting classifications (1 of 4 stars). 6 submissions from 6 submitters: Uncertain significance (4); Likely benign (2). Last evaluated 2025-02-26.

Conditions:
Hereditary breast ovarian cancer syndrome. Also called: Breast and ovarian cancer; Hereditary breast and ovarian cancer; Hereditary breast and ovarian cancer syndrome; Hereditary breast and/or ovarian cancer syndrome; BRCA1- and BRCA2-Associated Hereditary Breast and Ovarian Cancer; Hereditary breast and ovarian cancer syndrome (HBOC). Identifiers: Orphanet 145, MedGen C0677776, MeSH D061325, MONDO:0003582. Disease mechanism: loss of function.
Breast-ovarian cancer, familial, susceptibility to, 1 (BROVCA1). Also called: BRCA1 Hereditary Breast and Ovarian Cancer; OVARIAN CANCER, SUSCEPTIBILITY TO. Identifiers: Orphanet 145, MedGen C2676676, MONDO:0011450, OMIM 604370. Disease mechanism: loss of function.
Hereditary cancer-predisposing syndrome. Also called: Tumor predisposition; Hereditary Cancer Syndrome; Neoplastic Syndromes, Hereditary; Hereditary neoplastic syndrome. Identifiers: Orphanet 140162, MedGen C0027672, MeSH D009386, MONDO:0015356.

Allele frequency attached by ClinVar (database versions not stated): gnomAD exomes below 0.00001 and 0.00001; TOPMed 0.00001; gnomAD 0.00002.
gnomAD v4.1: 5 of 1,613,972 alleles (0.00031%); highest among the groups gnomAD compares: African/African-American, 0.0067%; no homozygotes.

Submissions (6):

Labcorp Genetics (formerly Invitae), Labcorp
Classification: Likely benign for Hereditary breast ovarian cancer syndrome. Last evaluated: 2025-02-26. Review status: criteria provided, single submitter. Criteria: Invitae Variant Classification Sherloc (09022015). Collection method: clinical testing. Allele origin: germline.

Ambry Genetics
Classification: Uncertain significance for Hereditary cancer-predisposing syndrome. Last evaluated: 2024-03-09. Review status: criteria provided, single submitter. Criteria: Ambry Variant Classification Scheme 2023. Collection method: clinical testing. Allele origin: germline.
Comment: The p.E755K variant (also known as c.2263G>A), located in coding exon 9 of the BRCA1 gene, results from a G to A substitution at nucleotide position 2263. The glutamic acid at codon 755 is replaced by lysine, an amino acid with similar properties. This amino acid position is poorly conserved in available vertebrate species. In addition, the in silico prediction for this alteration is inconclusive. Since supporting evidence is limited at this time, the clinical significance of this alteration remains unclear.

All of Us Research Program, National Institutes of Health
Classification: Uncertain significance for Breast-ovarian cancer, familial, susceptibility to, 1. Last evaluated: 2023-12-18. Review status: criteria provided, single submitter. Criteria: ACMG Guidelines, 2015. Collection method: clinical testing. Allele origin: germline. Inheritance: Autosomal dominant inheritance. Observed: 1 variant allele, 1 heterozygote.
Comment: This missense variant replaces glutamic acid with lysine at codon 755 of the BRCA1 protein. Computational prediction suggests that this variant may not impact protein structure and function. To our knowledge, functional studies have not been reported for this variant. This variant has not been reported in individuals affected with BRCA1-related disorders in the literature. This variant has been identified in 2/251216 chromosomes in the general population by the Genome Aggregation Database (gnomAD). The available evidence is insufficient to determine the role of this variant in disease conclusively. Therefore, this variant is classified as a Variant of Uncertain Significance.

This study involves interpretation of variants in research participants for the purpose of population health screening. Participant phenotype was not available at the time of variant classification. Additional details can be found in publication PMID: 35346344, PMCID: PMC8962531

University of Washington Department of Laboratory Medicine, University of Washington
Classification: Likely benign for Hereditary cancer-predisposing syndrome. Last evaluated: 2023-03-23. Review status: criteria provided, single submitter. Criteria: Dines et al. (Genet Med. 2020). Collection method: curation. Allele origin: germline.
Comment: Missense variant in a coldspot region where missense variants are very unlikely to be pathogenic (PMID:31911673).

BRCA1 coldspot (exon 11 using historical exon numbering). Reclassification based on statistical prior probability

Women's Health and Genetics/Laboratory Corporation of America, LabCorp
Classification: Uncertain significance. Last evaluated: 2022-04-05. Review status: criteria provided, single submitter. Criteria: LabCorp Variant Classification Summary - May 2015. Collection method: clinical testing. Allele origin: germline.

GeneDx
Classification: Uncertain significance. Last evaluated: 2017-04-14. Review status: criteria provided, single submitter. Criteria: GeneDx Variant Classification (06012015). Collection method: clinical testing. Allele origin: germline. Affected: yes.
Comment: This variant is denoted BRCA1 c.2263G>A at the cDNA level, p.Glu755Lys (E755K) at the protein level, and results in the change of a Glutamic Acid to a Lysine (GAA>AAA). Using alternate nomenclature, this variant would be defined as BRCA1 2382G>A. This variant has not, to our knowledge, been published in the literature as pathogenic or benign. BRCA1 Glu755Lys was not observed in large population cohorts (NHLBI Exome Sequencing Project, The 1000 Genomes Consortium 2015, Lek 2016). Since Glutamic Acid and Lysine differ in polarity, charge, size or other properties, this is considered a non-conservative amino acid substitution. BRCA1 Glu755Lys occurs at a position that is not conserved and is located within the DNA-binding domain as well as a region that binds STAT1 (Ouchi 2000, Narod 2004). In silico analyses are inconsistent regarding the effect this variant may have on protein structure and function. Based on currently available information, it is unclear whether BRCA1 Glu755Lys is pathogenic or benign. We consider it to be a variant of uncertain significance.